The following is an entry in ClinVar:

ClinVar aggregate classification (germline): Uncertain significance (1 of 4 stars; one submission).

Submission:

Labcorp Genetics (formerly Invitae), Labcorp
Classification: Uncertain significance. Last evaluated: 2022-10-03. Review status: criteria provided, single submitter. Criteria: Invitae Variant Classification Sherloc (09022015). Collection method: clinical testing. Allele origin: germline.
Comment: This variant is not present in population databases (gnomAD no frequency). This sequence change replaces phenylalanine, which is neutral and non-polar, with leucine, which is neutral and non-polar, at codon 728 of the CTR9 protein (p.Phe728Leu). This variant has not been reported in the literature in individuals affected with CTR9-related conditions. Algorithms developed to predict the effect of missense changes on protein structure and function (SIFT, PolyPhen-2, Align-GVGD) all suggest that this variant is likely to be tolerated. In summary, the available evidence is currently insufficient to determine the role of this variant in disease. Therefore, it has been classified as a Variant of Uncertain Significance.

NM_014633.5(CTR9):c.2182T>C (p.Phe728Leu)

Gene: CTR9 (CTR9 component of Paf1/RNA polymerase II complex; plus strand). Cytogenetic location: 11p15.4.
Variant type: single nucleotide variant.
Coding change: c.2182T>C on transcript NM_014633.5 (MANE Select); coding-DNA position 2182, T replaced by C.
Protein change: p.Phe728Leu; replaces phenylalanine 728 with leucine.
Molecular consequence: missense variant.
Genome position (GRCh38, 1-based): chr11:10,770,282, T>C. VCF-style: chr11-10770282-T-C. GRCh37 (hg19) VCF-style: chr11-10791829-T-C.
Other names: c.2182T>C, p.Phe728Leu (NM_001346279.2); short protein forms F728L.
Identifiers: ClinVar variation 1720863 (VCV001720863.5), dbSNP rs2539386843, ClinGen allele CA379674603.